The following is an entry in ClinVar:

NM_003072.5(SMARCA4):c.3882C>G (p.Asp1294Glu)

Gene: SMARCA4 (SWI/SNF related BAF chromatin remodeling complex subunit ATPase 4; plus strand). Cytogenetic location: 19p13.2.
Variant type: single nucleotide variant.
Coding change: c.3882C>G on transcript NM_003072.5 (MANE Select); coding-DNA position 3882, C replaced by G.
Protein change: p.Asp1294Glu; replaces aspartic acid 1294 with glutamic acid.
Molecular consequence: missense variant. On other transcripts: non-coding transcript variant (1).
Genome position (GRCh38, 1-based): chr19:11,034,131, C>G. VCF-style: chr19-11034131-C-G. GRCh37 (hg19) VCF-style: chr19-11144807-C-G.
Other names: c.3882C>G, p.Asp1294Glu (NM_001128844.3, NM_001128849.3, NM_001387283.1); c.3783C>G, p.Asp1261Glu (NM_001128845.2, NM_001128846.2, NM_001128847.4 and 3 more transcripts); short protein forms D1261E, D1294E.
Identifiers: ClinVar variation 4802583 (VCV004802583.1).

ClinVar aggregate classification (germline): Uncertain significance (1 of 4 stars; one submission).

Conditions:
Rhabdoid tumor predisposition syndrome 2 (RTPS2). Identifiers: Orphanet 231108, Orphanet 69077, MedGen C2750074, MONDO:0013224, OMIM 613325.

Submission:

Labcorp Genetics (formerly Invitae), Labcorp
Classification: Uncertain significance for Rhabdoid tumor predisposition syndrome 2. Last evaluated: 2025-05-19. Review status: criteria provided, single submitter. Criteria: Invitae Variant Classification Sherloc (09022015). Collection method: clinical testing. Allele origin: germline.
Comment: This sequence change replaces aspartic acid, which is acidic and polar, with glutamic acid, which is acidic and polar, at codon 1294 of the SMARCA4 protein (p.Asp1294Glu). This variant is not present in population databases (gnomAD no frequency). This variant has not been reported in the literature in individuals affected with SMARCA4-related conditions. Invitae Evidence Modeling of protein sequence and biophysical properties (such as structural, functional, and spatial information, amino acid conservation, physicochemical variation, residue mobility, and thermodynamic stability) has been performed for this missense variant. However, the output from this modeling did not meet the statistical confidence thresholds required to predict the impact of this variant on SMARCA4 protein function. In summary, the available evidence is currently insufficient to determine the role of this variant in disease. Therefore, it has been classified as a Variant of Uncertain Significance.